The following is an entry in ClinVar:

NM_006231.4(POLE):c.3060+20C>G

Gene: POLE (DNA polymerase epsilon, catalytic subunit; minus strand). Cytogenetic location: 12q24.33.
Variant type: single nucleotide variant.
Coding change: c.3060+20C>G on transcript NM_006231.4 (MANE Select); 20 bases into the intron after coding-DNA position 3060, C replaced by G.
Molecular consequence: intron variant.
Genome position (GRCh38, 1-based): chr12:132,660,949, G>C on the plus strand (C>G on the coding strand, the complement: POLE is on the minus strand). VCF-style: chr12-132660949-G-C. GRCh37 (hg19) VCF-style: chr12-133237535-G-C.
Identifiers: ClinVar variation 511406 (VCV000511406.4), dbSNP rs1555225929, ClinGen allele CA658797981.

ClinVar aggregate classification (germline): Likely benign. Review status: criteria provided, multiple submitters, no conflicts (2 of 4 stars). 2 submissions from 2 submitters: Likely benign (2). Last evaluated 2023-07-07.

Submissions (2):

Labcorp Genetics (formerly Invitae), Labcorp
Classification: Likely benign. Last evaluated: 2023-07-07. Review status: criteria provided, single submitter. Criteria: Invitae Variant Classification Sherloc (09022015). Collection method: clinical testing. Allele origin: germline.

GeneDx
Classification: Likely benign. Last evaluated: 2017-08-08. Review status: criteria provided, single submitter. Criteria: GeneDx Variant Classification (06012015). Collection method: clinical testing. Allele origin: germline. Affected: yes.
Comment: This variant is considered likely benign or benign based on one or more of the following criteria: it is a conservative change, it occurs at a poorly conserved position in the protein, it is predicted to be benign by multiple in silico algorithms, and/or has population frequency not consistent with disease.